The following is an entry in ClinVar:

NM_198578.4(LRRK2):c.1919A>T (p.Asp640Val)

Gene: LRRK2 (leucine rich repeat kinase 2; plus strand). Cytogenetic location: 12q12.
Variant type: single nucleotide variant.
Coding change: c.1919A>T on transcript NM_198578.4 (MANE Select); coding-DNA position 1919, A replaced by T.
Protein change: p.Asp640Val; replaces aspartic acid 640 with valine.
Molecular consequence: missense variant.
Genome position (GRCh38, 1-based): chr12:40,274,971, A>T. VCF-style: chr12-40274971-A-T. GRCh37 (hg19) VCF-style: chr12-40668773-A-T.
Other names: short protein forms D640V.
Identifiers: ClinVar variation 2489278 (VCV002489278.2), dbSNP rs202013032, ClinGen allele CA384403693.

ClinVar aggregate classification (germline): Uncertain significance (1 of 4 stars; one submission).

Conditions:
Inborn genetic diseases. Identifiers: MedGen C0950123, MeSH D030342.

Allele frequency attached by ClinVar (database versions not stated): gnomAD exomes below 0.00001.
gnomAD v4.1: 1 of 1,613,940 alleles (0.000062%); highest among the groups gnomAD compares: Non-Finnish European, 0.000085%; no homozygotes.

Submission:

Ambry Genetics
Classification: Uncertain significance for Inborn genetic diseases. Last evaluated: 2023-01-04. Review status: criteria provided, single submitter. Criteria: Ambry Variant Classification Scheme 2023. Collection method: clinical testing. Allele origin: germline.
Comment: The p.D640V variant (also known as c.1919A>T), located in coding exon 16 of the LRRK2 gene, results from an A to T substitution at nucleotide position 1919. The aspartic acid at codon 640 is replaced by valine, an amino acid with highly dissimilar properties. This amino acid position is conserved. In addition, the in silico prediction for this alteration is inconclusive. Since supporting evidence is limited at this time, the clinical significance of this alteration remains unclear.